The following is an entry in ClinVar:

ClinVar aggregate classification (germline): Pathogenic. Review status: reviewed by expert panel (3 of 4 stars). 5 submissions from 5 submitters: Pathogenic (1). 4 of the submissions do not count toward it. Last evaluated 2016-09-08.

Conditions:
Hereditary cancer-predisposing syndrome. Also called: Tumor predisposition; Neoplastic Syndromes, Hereditary; Hereditary Cancer Syndrome; Hereditary neoplastic syndrome. Identifiers: Orphanet 140162, MedGen C0027672, MeSH D009386, MONDO:0015356.
Hereditary breast ovarian cancer syndrome. Also called: Hereditary breast and ovarian cancer syndrome (HBOC); Hereditary breast and ovarian cancer syndrome; Hereditary breast and ovarian cancer; Hereditary breast and/or ovarian cancer syndrome; Breast and ovarian cancer; BRCA1- and BRCA2-Associated Hereditary Breast and Ovarian Cancer. Identifiers: Orphanet 145, MedGen C0677776, MeSH D061325, MONDO:0003582. Disease mechanism: loss of function.
Breast-ovarian cancer, familial, susceptibility to, 1 (BROVCA1). Also called: OVARIAN CANCER, SUSCEPTIBILITY TO; BRCA1 Hereditary Breast and Ovarian Cancer. Identifiers: Orphanet 145, MedGen C2676676, MONDO:0011450, OMIM 604370. Disease mechanism: loss of function.

Submissions (5):

Evidence-based Network for the Interpretation of Germline Mutant Alleles (ENIGMA)
Classification: Pathogenic for Breast-ovarian cancer, familial, susceptibility to, 1. Last evaluated: 2016-09-08. Review status: reviewed by expert panel. Criteria: ENIGMA BRCA1/2 Classification Criteria (2015). Collection method: curation. Allele origin: germline.
Comment: Variant allele predicted to encode a truncated non-functional protein.

Ambry Genetics
Classification: Pathogenic for Hereditary cancer-predisposing syndrome. Last evaluated: 2024-10-31. Review status: criteria provided, single submitter. Criteria: Ambry Variant Classification Scheme 2023. Collection method: clinical testing. Allele origin: germline. Not counted in ClinVar's aggregate classification.
Comment: The c.2424delT pathogenic mutation, located in coding exon 9 of the BRCA1 gene, results from a deletion of one nucleotide at nucleotide position 2424, causing a translational frameshift with a predicted alternate stop codon (p.F808Lfs*7). This alteration was identified in a large, worldwide study of BRCA1/2 mutation positive families (Rebbeck TR et al. Hum Mutat, 2018 05;39:593-620). This variant is considered to be rare based on population cohorts in the Genome Aggregation Database (gnomAD). In addition to the clinical data presented in the literature, this alteration is expected to result in loss of function by premature protein truncation or nonsense-mediated mRNA decay. As such, this alteration is interpreted as a disease-causing mutation.

Consortium of Investigators of Modifiers of BRCA1/2 (CIMBA), c/o University of Cambridge
Classification: Pathogenic for Breast-ovarian cancer, familial, susceptibility to, 1. Last evaluated: 2015-10-02. Review status: criteria provided, single submitter. Criteria: CIMBA Mutation Classification guidelines May 2016. Collection method: clinical testing. Allele origin: germline. Not counted in ClinVar's aggregate classification.

Research Molecular Genetics Laboratory, Women's College Hospital, University of Toronto
Classification: Pathogenic for Hereditary breast ovarian cancer syndrome. Last evaluated: 2014-01-31. Review status: no assertion criteria provided. Collection method: research. Allele origin: germline. Affected: yes. Study: The Canadian Open Genetics Repository (COGR). Not counted in ClinVar's aggregate classification.

Sharing Clinical Reports Project (SCRP)
Classification: Pathogenic for Breast-ovarian cancer, familial 1. Last evaluated: 2009-09-04. Review status: no assertion criteria provided. Collection method: clinical testing. Allele origin: germline. Not counted in ClinVar's aggregate classification.

Literature cited by the submitters: PubMed 29446198 (cited by Ambry Genetics).

NM_007294.4(BRCA1):c.2424del (p.Phe808fs)

Gene: BRCA1 (BRCA1 DNA repair associated; minus strand). Cytogenetic location: 17q21.31.
Variant type: Deletion.
Coding change: c.2424del on transcript NM_007294.4 (MANE Select); coding-DNA position 2424, one base deleted (T; older notation c.2424delT).
Protein change: p.Phe808fs; shifts the reading frame from phenylalanine 808.
Molecular consequence: frameshift variant. On other transcripts: intron variant (137).
Genome position (GRCh38, 1-based): chr17:43,093,107, A deleted on the plus strand (T on the coding strand, the reverse complement: BRCA1 is on the minus strand); the first of 3 consecutive A bases (chr17:43,093,107-43,093,109); deleting any one gives the same sequence. VCF-style (leftmost placement, unchanged base first): chr17-43093106-CA-C. GRCh37 (hg19) VCF-style: chr17-41245123-CA-C.
Other names: 2543delT; c.2424delT (NM_007294.3); c.2211del, p.Phe737fs (NM_001407571.1, NM_001407853.1, NM_001407894.1 and 9 more transcripts); c.2424del, p.Phe808fs (NM_001407581.1, NM_001407582.1, NM_001407583.1 and 30 more transcripts); c.2421del, p.Phe807fs (NM_001407587.1, NM_001407590.1, NM_001407591.1 and 22 more transcripts); c.2415del, p.Phe805fs (NM_001407646.1, NM_001407647.1); c.2301del, p.Phe767fs (NM_001407648.1, NM_001407664.1, NM_001407665.1 and 19 more transcripts); c.2298del, p.Phe766fs (NM_001407649.1, NM_001407670.1, NM_001407671.1 and 11 more transcripts); and 43 more; short protein forms F761fs, F808fs, F640fs, F680fs, F719fs, F720fs, F738fs, F760fs.
Identifiers: ClinVar variation 37467 (VCV000037467.7), dbSNP rs397507200, ClinGen allele CA001618.